The following is an entry in ClinVar:

NM_020765.3(UBR4):c.3010T>C (p.Leu1004=)

Gene: UBR4 (ubiquitin protein ligase E3 component n-recognin 4; minus strand). Cytogenetic location: 1p36.13.
Variant type: single nucleotide variant.
Coding change: c.3010T>C on transcript NM_020765.3 (MANE Select); coding-DNA position 3010, T replaced by C.
Protein change: p.Leu1004=; no amino-acid change (leucine 1004 retained).
Molecular consequence: synonymous variant.
Genome position (GRCh38, 1-based): chr1:19,173,594, A>G on the plus strand (T>C on the coding strand, the complement: UBR4 is on the minus strand). VCF-style: chr1-19173594-A-G. GRCh37 (hg19) VCF-style: chr1-19500088-A-G.
Identifiers: ClinVar variation 709355 (VCV000709355.15), dbSNP rs41273197, ClinGen allele CA651259.

ClinVar aggregate classification (germline): Benign/Likely benign. Review status: criteria provided, multiple submitters, no conflicts (2 of 4 stars). 4 submissions from 4 submitters: Benign (2); Likely benign (1). 1 of the submissions does not count toward it. Last evaluated 2025-08-01.

Conditions:
UBR4-related disorder. Also called: UBR4-related condition.

Allele frequency attached by ClinVar (database versions not stated): 1000 Genomes Project 0.00180; 1000 Genomes Project 30x 0.00234; gnomAD exomes 0.00492 and 0.00827; ExAC 0.00531; ESP Exome Variant Server 0.00677; gnomAD 0.00496 and 0.00505; TOPMed 0.00511.
gnomAD v4.1: 12,694 of 1,614,146 alleles (0.79%); highest among the groups gnomAD compares: Non-Finnish European, 0.99%; 81 homozygotes.

Submissions (4):

CeGaT Center for Human Genetics Tuebingen
Classification: Likely benign. Last evaluated: 2025-08-01. Review status: criteria provided, single submitter. Criteria: CeGaT Center For Human Genetics Tuebingen Variant Classification Criteria Version 2. Collection method: clinical testing. Allele origin: germline. Affected: yes. Observed: 1 variant allele.
Comment: UBR4: BP4, BP7, BS2

Labcorp Genetics (formerly Invitae), Labcorp
Classification: Benign. Last evaluated: 2019-12-31. Review status: criteria provided, single submitter. Criteria: Invitae Variant Classification Sherloc (09022015). Collection method: clinical testing. Allele origin: germline.

Breakthrough Genomics
Classification: Benign. Review status: criteria provided, single submitter. Criteria: ACMG Guidelines, 2015. Collection method: not provided. Allele origin: germline. Inheritance: Unknown mechanism. Affected: yes.

PreventionGenetics, part of Exact Sciences
Classification: Likely benign for UBR4-related condition. Last evaluated: 2019-02-28. Review status: no assertion criteria provided. Collection method: clinical testing. Allele origin: germline. Not counted in ClinVar's aggregate classification.
Comment: This variant is classified as likely benign based on ACMG/AMP sequence variant interpretation guidelines (Richards et al. 2015 PMID: 25741868, with internal and published modifications).